The following is an entry in ClinVar:

NM_004260.4(RECQL4):c.154A>G (p.Thr52Ala)

Genes: RECQL4 (RecQ like helicase 4; minus strand), LOC130001411 (ATAC-STARR-seq lymphoblastoid silent region 19699; plus strand). Cytogenetic location: 8q24.3.
Variant type: single nucleotide variant.
Coding change: c.154A>G on transcript NM_004260.4 (MANE Select); coding-DNA position 154, A replaced by G.
Protein change: p.Thr52Ala; replaces threonine 52 with alanine.
Molecular consequence: missense variant. On other transcripts: 5 prime UTR variant (16), non-coding transcript variant (3), intron variant (2).
Genome position (GRCh38, 1-based): chr8:144,517,473, T>C on the plus strand (A>G on the coding strand, the complement: RECQL4 is on the minus strand). VCF-style: chr8-144517473-T-C. GRCh37 (hg19) VCF-style: chr8-145742857-T-C.
Other names: c.154A>G, p.Thr52Ala (NM_001413017.1, NM_001413018.1, NM_001413019.1 and 5 more transcripts); c.-567A>G (NM_001413021.1); c.-918A>G (NM_001413022.1, NM_001413023.1, NM_001413037.1 and 2 more transcripts); c.-815A>G (NM_001413024.1, NM_001413035.1); c.-980A>G (NM_001413027.1, NM_001413030.1, NM_001413031.1 and 1 more transcripts); c.-643A>G (NM_001413028.1); c.-877A>G (NM_001413032.1); c.-822A>G (NM_001413034.1); and 3 more; short protein forms T52A.
Identifiers: ClinVar variation 4863222 (VCV004863222.1).

ClinVar aggregate classification (germline): Uncertain significance (1 of 4 stars; one submission).

Conditions:
Inborn genetic diseases. Identifiers: MedGen C0950123, MeSH D030342.

Submission:

Ambry Genetics
Classification: Uncertain significance for Inborn genetic diseases. Last evaluated: 2026-06-14. Review status: criteria provided, single submitter. Criteria: Ambry Variant Classification Scheme 2023. Collection method: clinical testing. Allele origin: germline.
Comment: The p.T52A variant (also known as c.154A>G), located in coding exon 3 of the RECQL4 gene, results from an A to G substitution at nucleotide position 154. The threonine at codon 52 is replaced by alanine, an amino acid with similar properties. This amino acid position is conserved. In addition, this alteration is predicted to be tolerated by in silico analysis. Based on the available evidence, the clinical significance of this variant remains unclear.